The following is an entry in ClinVar:

ClinVar aggregate classification (germline): Benign (1 of 4 stars; one submission).

Conditions:
Congenital afibrinogenemia. Identifiers: Orphanet 335, Orphanet 98880, MedGen C2584774, MONDO:0008737, OMIM 202400.

Allele frequency attached by ClinVar (database versions not stated): 1000 Genomes Project 30x 0.13195; 1000 Genomes Project 0.13878; TOPMed 0.13936; gnomAD 0.14032 and 0.14191.
gnomAD v4.1: 21,676 of 152,020 alleles (14%); highest among the groups gnomAD compares: East Asian, 22%; 1,901 homozygotes.

Submission:

Illumina Laboratory Services, Illumina
Classification: Benign for Congenital afibrinogenemia. Last evaluated: 2018-01-12. Review status: criteria provided, single submitter. Criteria: ICSL Variant Classification Criteria 13 December 2019. Collection method: clinical testing. Allele origin: germline.
Comment: This variant was observed in the ICSL laboratory as part of a predisposition screen in an ostensibly healthy population. It had not been previously curated by ICSL or reported in the Human Gene Mutation Database (HGMD: prior to June 1st, 2018), and was therefore a candidate for classification through an automated scoring system. Utilizing variant allele frequency, disease prevalence and penetrance estimates, and inheritance mode, an automated score was calculated to assess if this variant is too frequent to cause the disease. Based on the score and internal cut-off values, a variant classified as benign is not then subjected to further curation. The score for this variant resulted in a classification of benign for this disease.

NM_005141.5(FGB):c.*1369G>A

Gene: FGB (fibrinogen beta chain; plus strand). Cytogenetic location: 4q31.3.
Variant type: single nucleotide variant.
Coding change: c.*1369G>A on transcript NM_005141.5 (MANE Select); 1369 bases downstream of the stop codon, G replaced by A.
Molecular consequence: 3 prime UTR variant.
Genome position (GRCh38, 1-based): chr4:154,572,019, G>A. VCF-style: chr4-154572019-G-A. GRCh37 (hg19) VCF-style: chr4-155493171-G-A.
Other names: c.*1369G>A (NM_001184741.1, NM_001382759.1, NM_001382760.1 and 3 more transcripts); c.*1510G>A (NM_001382761.1); c.*1619G>A (NM_001382764.1).
Identifiers: ClinVar variation 347792 (VCV000347792.5), dbSNP rs2227426, ClinGen allele CA10618093.